The following is an entry in ClinVar:

ClinVar aggregate classification (germline): Pathogenic (1 of 4 stars; one submission).

Conditions:
KBG syndrome (KBGS). Also called: ANKRD11-Related KBG Syndrome. Identifiers: Orphanet 2332, MedGen C0220687, MONDO:0007846, OMIM 148050.

Submission:

Umrani?ye Training and Research Hospital
Classification: Pathogenic for KBG syndrome. Last evaluated: 2026-06-29. Review status: criteria provided, single submitter. Criteria: ACMG Guidelines, 2015. Collection method: clinical testing. Allele origin: germline. Inheritance: Autosomal dominant inheritance. Affected: yes.
Comment: PVS1, PM2, PM6

Literature cited by the submitters: PubMed 42808190.

NM_013275.6(ANKRD11):c.125_126del (p.Leu42fs)

Gene: ANKRD11 (ankyrin repeat domain 11; minus strand). Cytogenetic location: 16q24.3.
Variant type: Deletion.
Coding change: c.125_126del on transcript NM_013275.6 (MANE Select); coding-DNA positions 125 to 126, 2 bases deleted (TG; older notation c.125_126delTG).
Protein change: p.Leu42fs; shifts the reading frame from leucine 42.
Molecular consequence: frameshift variant. On other transcripts: non-coding transcript variant (1).
Genome position (GRCh38, 1-based): chr16:89,305,306-89,305,307, CA deleted on the plus strand (TG on the coding strand, the reverse complement: ANKRD11 is on the minus strand). VCF-style (leftmost placement, unchanged base first): chr16-89305305-CCA-C. GRCh37 (hg19) VCF-style: chr16-89371713-CCA-C.
Other names: NP_037407.4:p.(Leu42ArgfsTer39); c.125_126del, p.Leu42fs (NM_001256182.2, NM_001256183.2); short protein forms L42fs.
Identifiers: ClinVar variation 4876214 (VCV004876214.1).
Genomic context (GRCh38, chr16:89,305,305, plus strand): 5'-TGAAGGGCAGCTTCCGCTTGCTGGCTCGCTCCCTCACCTCCTTCCCGCCATCGCCACGCT[CCA>C]GTTTTGGGGTCTTGGTTAGAGAAACTTTATCTTTATCCTAGAAAAGAAAGGGATGCTTTC-3'